The following is an entry in ClinVar:

ClinVar aggregate classification (germline): Uncertain significance. Review status: criteria provided, multiple submitters, no conflicts (2 of 4 stars). 2 submissions from 2 submitters: Uncertain significance (2). Last evaluated 2026-04-09.

Conditions:
Fraser syndrome 3. Identifiers: MedGen C4540040, MONDO:0054739, OMIM 617667.

gnomAD v4.1: 10 of 1,612,210 alleles (0.00062%); highest among the groups gnomAD compares: South Asian, 0.0011%; no homozygotes.

Submissions (2):

Myriad Genetics, Inc.
Classification: Uncertain significance for Fraser syndrome 3. Last evaluated: 2026-04-09. Review status: criteria provided, single submitter. Criteria: Myriad Autosomal Dominant, Autosomal Recessive and X-Linked Classification Criteria (2023). Collection method: clinical testing. Allele origin: unknown.
Comment: NM_021150.3(GRIP1):c.3208C>T(R1070*) is a nonsense variant classified as a variant of uncertain significance in the context of Fraser syndrome, GRIP1-related. R1070* has not been observed in cases with relevant disease. Relevant functional assessments of this variant are not available in the literature. R1070* has been observed in referenced population frequency databases. In summary, there is insufficient evidence to classify NM_021150.3(GRIP1):c.3208C>T(R1070*) as pathogenic or benign. Please note: this variant was assessed in the context of healthy population screening.

Dasa
Classification: Uncertain significance. Last evaluated: 2025-10-11. Review status: criteria provided, single submitter. Criteria: DASA Assertion Criteria. Collection method: clinical testing. Allele origin: germline.
Comment: NM_001366722.1(GRIP1):c.3364C>T (p.Arg1122*) is a nonsense variant in GRIP1 predicted to introduce a premature termination codon and is predicted to result in an absent or altered protein product. This variant is rare in population databases. The currently available literature and clinical evidence are not sufficient to establish a definitive association between this variant and the reported condition. Therefore, this variant is classified as a variant of uncertain significance.

NM_001366722.1(GRIP1):c.3364C>T (p.Arg1122Ter)

Gene: GRIP1 (glutamate receptor interacting protein 1; minus strand). Cytogenetic location: 12q14.3.
Variant type: single nucleotide variant.
Coding change: c.3364C>T on transcript NM_001366722.1 (MANE Select); coding-DNA position 3364, C replaced by T.
Protein change: p.Arg1122Ter; replaces arginine 1122 with a stop codon.
Molecular consequence: nonsense.
Genome position (GRCh38, 1-based): chr12:66,349,042, G>A on the plus strand (C>T on the coding strand, the complement: GRIP1 is on the minus strand). VCF-style: chr12-66349042-G-A. GRCh37 (hg19) VCF-style: chr12-66742822-G-A.
Other names: c.3163C>T, p.Arg1055Ter (NM_001178074.2, NM_001379351.1); c.3283C>T, p.Arg1095Ter (NM_001366723.1); c.3286C>T, p.Arg1096Ter (NM_001366724.1); c.3442C>T, p.Arg1148Ter (NM_001379345.1); c.3319C>T, p.Arg1107Ter (NM_001379346.1, NM_001439323.1); c.3241C>T, p.Arg1081Ter (NM_001379347.1); c.3238C>T, p.Arg1080Ter (NM_001379348.1); c.3211C>T, p.Arg1071Ter (NM_001379349.1); and 2 more; short protein forms R1055*, R1070*, R1071*, R1080*, R1081*, R1095*, R1096*, R1107*.
Identifiers: ClinVar variation 4882871 (VCV004882871.3).